The following is an entry in ClinVar:

NM_001382391.1(CSPP1):c.3143G>A (p.Arg1048Gln)

Genes: ARFGEF1 (ARF guanine nucleotide exchange factor 1; minus strand), CSPP1 (centrosome and spindle pole associated protein 1; plus strand). Cytogenetic location: 8q13.2.
Variant type: single nucleotide variant.
Coding change: c.3143G>A on transcript NM_001382391.1 (MANE Select); coding-DNA position 3143, G replaced by A.
Protein change: p.Arg1048Gln; replaces arginine 1048 with glutamine.
Molecular consequence: missense variant. On other transcripts: intron variant (2).
Genome position (GRCh38, 1-based): chr8:67,177,713, G>A. VCF-style: chr8-67177713-G-A. GRCh37 (hg19) VCF-style: chr8-68089948-G-A.
Other names: c.2948G>A, p.Arg983Gln (NM_001363132.2); c.2867G>A, p.Arg956Gln (NM_001363133.2); c.3209G>A, p.Arg1070Gln (NM_001364869.1); c.3029G>A, p.Arg1010Gln (NM_001364870.1); c.2975G>A, p.Arg992Gln (NM_001438330.1); c.3128G>A, p.Arg1043Gln (NM_001438331.1, NM_024790.7); c.2444G>A, p.Arg815Gln (NM_001438332.1); c.5368-2141C>T (NM_001413186.1); and 3 more; short protein forms R1021Q, R1043Q, R1048Q, R1070Q, R1010Q, R698Q, R956Q, R983Q.
Identifiers: ClinVar variation 2888195 (VCV002888195.4), dbSNP rs371166744, ClinGen allele CA4771071.

ClinVar aggregate classification (germline): Conflicting classifications of pathogenicity. Review status: criteria provided, conflicting classifications (1 of 4 stars). 2 submissions from 2 submitters: Uncertain significance (1); Likely benign (1). Last evaluated 2023-01-04.

Conditions:
Joubert syndrome 21 (JBTS21). Identifiers: MedGen C3810212, MONDO:0014288, OMIM 615636.

Allele frequency attached by ClinVar (database versions not stated): gnomAD exomes below 0.00001; ExAC 0.00001; gnomAD 0.00001; TOPMed 0.00001; ESP Exome Variant Server 0.00008.
gnomAD v4.1: 2 of 1,611,352 alleles (0.00012%); highest among the groups gnomAD compares: African/African-American, 0.0013%; no homozygotes.

Submissions (2):

Blueprint Genetics
Classification: Likely benign. Last evaluated: 2023-01-04. Review status: criteria provided, single submitter. Criteria: ACMG Guidelines, 2015. Collection method: clinical testing. Allele origin: germline.

Labcorp Genetics (formerly Invitae), Labcorp
Classification: Uncertain significance for Joubert syndrome 21. Last evaluated: 2022-12-20. Review status: criteria provided, single submitter. Criteria: Invitae Variant Classification Sherloc (09022015). Collection method: clinical testing. Allele origin: germline.
Comment: This variant is present in population databases (rs371166744, gnomAD 0.007%). In summary, the available evidence is currently insufficient to determine the role of this variant in disease. Therefore, it has been classified as a Variant of Uncertain Significance. Algorithms developed to predict the effect of missense changes on protein structure and function output the following: SIFT: "Tolerated"; PolyPhen-2: "Benign"; Align-GVGD: "Class C0". The glutamine amino acid residue is found in multiple mammalian species, which suggests that this missense change does not adversely affect protein function. This variant has not been reported in the literature in individuals affected with CSPP1-related conditions. This sequence change replaces arginine, which is basic and polar, with glutamine, which is neutral and polar, at codon 1043 of the CSPP1 protein (p.Arg1043Gln).